The following is an entry in ClinVar:

NM_000492.4(CFTR):c.326A>G (p.Tyr109Cys)

Gene: CFTR (CF transmembrane conductance regulator; plus strand). Cytogenetic location: 7q31.2.
Variant type: single nucleotide variant.
Coding change: c.326A>G on transcript NM_000492.4 (MANE Select); coding-DNA position 326, A replaced by G.
Protein change: p.Tyr109Cys; replaces tyrosine 109 with cysteine.
Molecular consequence: missense variant.
Genome position (GRCh38, 1-based): chr7:117,530,951, A>G. VCF-style: chr7-117530951-A-G. GRCh37 (hg19) VCF-style: chr7-117171005-A-G.
Other names: short protein forms Y109C.
Identifiers: ClinVar variation 7197 (VCV000007197.14), dbSNP rs121909031, ClinGen allele CA325582.
Genomic context (GRCh38, chr7:117,530,951, plus strand): 5'-TTTTGTAGGAAGTCACCAAAGCAGTACAGCCTCTCTTACTGGGAAGAATCATAGCTTCCT[A>G]TGACCCGGATAACAAGGAGGAACGCTCTATCGCGATTTATCTAGGCATAGGCTTATGCCT-3'
Protein context (NP_000483.3, residues 99-119): PLLLGRIIAS[Tyr109Cys]DPDNKEERSI

ClinVar aggregate classification (germline): Pathogenic/Likely pathogenic. Review status: criteria provided, multiple submitters, no conflicts (2 of 4 stars). 6 submissions from 6 submitters: Pathogenic (4); Likely pathogenic (1). 1 of the submissions does not count toward it. Last evaluated 2025-10-21.

Conditions:
Bronchiectasis with or without elevated sweat chloride 1 (BESC1). Also called: Cystic Fibrosis-Like Syndrome. Identifiers: Orphanet 60033, MedGen C2749757, MONDO:0008887, OMIM 211400.
CFTR-related disorder (CFTR-RD). Also called: CFTR-related disorders; CFTR-related condition. Identifiers: MedGen C5924204, MONDO:7770004.
Cystic fibrosis (CF). Also called: MUCOVISCIDOSIS. Identifiers: Orphanet 586, MedGen C0010674, MONDO:0009061, OMIM 219700. Disease mechanism: loss of function.

Submissions (6):

Natera, Inc.
Classification: Pathogenic for CFTR-related disorders. Last evaluated: 2025-10-21. Review status: criteria provided, single submitter. Criteria: Natera Variant Classification Schema (03/2026). Collection method: clinical testing. Allele origin: germline.
Comment: The c.326A>G variant in CFTR is a missense variant predicted to cause substitution of tyrosine to cysteine at amino acid 109. This variant is rare in the general population with a frequency below the threshold expected for the associated phenotype(s). This variant has been observed in one or more individuals affected with the associated recessive disease, as either homozygous or compound heterozygous with a second variant (PMID: 30232781, 26826884, 27022295). Additionally, this variant has been observed to segregate in affected family members (PMID: 30232781). Computational prediction algorithms indicate this variant is likely to affect gene or protein function. Given the available evidence, this variant is classified as Pathogenic.

Labcorp Genetics (formerly Invitae), Labcorp
Classification: Pathogenic for Cystic fibrosis. Last evaluated: 2025-06-29. Review status: criteria provided, single submitter. Criteria: Invitae Variant Classification Sherloc (09022015). Collection method: clinical testing. Allele origin: germline.
Comment: This sequence change replaces tyrosine, which is neutral and polar, with cysteine, which is neutral and slightly polar, at codon 109 of the CFTR protein (p.Tyr109Cys). This variant is not present in population databases (gnomAD no frequency). This missense change has been observed in individual(s) with cystic fibrosis (PMID: 7524909, 27022295, 30232781, 30558651). In at least one individual the data is consistent with being in trans (on the opposite chromosome) from a pathogenic variant. ClinVar contains an entry for this variant (Variation ID: 7197). Invitae Evidence Modeling of protein sequence and biophysical properties (such as structural, functional, and spatial information, amino acid conservation, physicochemical variation, residue mobility, and thermodynamic stability) indicates that this missense variant is expected to disrupt CFTR protein function with a positive predictive value of 80%. Experimental studies have shown that this missense change affects CFTR function (PMID: 11278813). This variant disrupts the p.Tyr109 amino acid residue in CFTR. Other variant(s) that disrupt this residue have been determined to be pathogenic (PMID: 32539862). This suggests that this residue is clinically significant, and that variants that disrupt this residue are likely to be disease-causing. For these reasons, this variant has been classified as Pathogenic.

Women's Health and Genetics/Laboratory Corporation of America, LabCorp
Classification: Pathogenic for Cystic fibrosis. Last evaluated: 2023-12-27. Review status: criteria provided, single submitter. Criteria: LabCorp Variant Classification Summary - May 2015. Collection method: clinical testing. Allele origin: germline.
Comment: Variant summary: CFTR c.326A>G (p.Tyr109Cys) results in a non-conservative amino acid change located in the first transmembrane region (IPR011527) of the encoded protein sequence. Four of four in-silico tools predict a damaging effect of the variant on protein function. The variant was absent in 251116 control chromosomes (gnomAD). c.326A>G has been reported in the literature in multiple compound heterozygous individuals who carried a pathogenic variant in trans and were affected with Cystic Fibrosis (e.g. Schaedel_1995, Sanchez_2016, Shen_2016). These data indicate that the variant is likely to be associated with disease. At least one publication reports experimental evidence evaluating an impact on protein function and demonstrated decreased channel activity compared to the wild-type (Hammerle_2001). Three submitters have cited clinical-significance assessments for this variant to ClinVar after 2014. All submitters classified the variant as pathogenic. Based on the evidence outlined above, the variant was classified as pathogenic.

Baylor Genetics
Classification: Likely pathogenic for Bronchiectasis with or without elevated sweat chloride 1. Last evaluated: 2023-09-27. Review status: criteria provided, single submitter. Criteria: ACMG Guidelines, 2015. Collection method: clinical testing. Allele origin: unknown.

Mendelics
Classification: Pathogenic for Cystic fibrosis. Last evaluated: 2018-11-05. Review status: criteria provided, single submitter. Criteria: Mendelics Assertion Criteria 2017. Collection method: clinical testing. Allele origin: unknown. Affected: yes.

OMIM
Classification: Pathogenic for CYSTIC FIBROSIS. Last evaluated: 2018-04-09. Review status: no assertion criteria provided. Collection method: literature only. Allele origin: germline. Not counted in ClinVar's aggregate classification.

Literature cited by the submitters: PubMed 30232781 (cited by Natera, Inc. and Labcorp Genetics (formerly Invitae), Labcorp); PubMed 26826884 (cited by Natera, Inc. and Women's Health and Genetics/Laboratory Corporation of America, LabCorp); PubMed 27022295 (cited by 3 submitters); PubMed 7524909 (cited by 3 submitters); PubMed 30558651 (cited by Labcorp Genetics (formerly Invitae), Labcorp); PubMed 11278813 (cited by Labcorp Genetics (formerly Invitae), Labcorp and Women's Health and Genetics/Laboratory Corporation of America, LabCorp); PubMed 32539862 (cited by Labcorp Genetics (formerly Invitae), Labcorp).